The following is an entry in ClinVar:

NM_000038.6(APC):c.8088T>A (p.Asp2696Glu)

Gene: APC (APC regulator of Wnt signaling pathway; plus strand). Cytogenetic location: 5q22.2.
Variant type: single nucleotide variant.
Coding change: c.8088T>A on transcript NM_000038.6 (MANE Select); coding-DNA position 8088, T replaced by A.
Protein change: p.Asp2696Glu; replaces aspartic acid 2696 with glutamic acid.
Molecular consequence: missense variant.
Genome position (GRCh38, 1-based): chr5:112,843,682, T>A. VCF-style: chr5-112843682-T-A. GRCh37 (hg19) VCF-style: chr5-112179379-T-A.
Other names: c.8088T>A (NM_000038.5); c.8088T>A, p.Asp2696Glu (NM_001127510.3, NM_001354895.2); c.8034T>A, p.Asp2678Glu (NM_001127511.3); c.8142T>A, p.Asp2714Glu (NM_001354896.2); c.8118T>A, p.Asp2706Glu (NM_001354897.2); c.8013T>A, p.Asp2671Glu (NM_001354898.2); c.8004T>A, p.Asp2668Glu (NM_001354899.2); c.7965T>A, p.Asp2655Glu (NM_001354900.2); and 6 more; short protein forms D2605E, D2714E, D2413E, D2570E, D2637E, D2655E, D2671E, D2536E.
Identifiers: ClinVar variation 1513502 (VCV001513502.10), dbSNP rs998726140, ClinGen allele CA16038894.
Genomic context (GRCh38, chr5:112,843,682, plus strand): 5'-AGGTAATACTCCCCCGGTGATTGACAGTGTTTCAGAAAAGGCAAATCCAAACATTAAAGA[T>A]TCAAAAGATAATCAGGCAAAACAAAATGTGGGTAATGGCAGTGTTCCCATGCGTACCGTG-3'
Protein context (NP_000029.2, residues 2686-2706): VSEKANPNIK[Asp2696Glu]SKDNQAKQNV

ClinVar aggregate classification (germline): Uncertain significance. Review status: criteria provided, multiple submitters, no conflicts (2 of 4 stars). 3 submissions from 3 submitters: Uncertain significance (3). Last evaluated 2025-10-14.

Conditions:
Hereditary cancer-predisposing syndrome. Also called: Tumor predisposition; Neoplastic Syndromes, Hereditary; Hereditary neoplastic syndrome; Hereditary Cancer Syndrome. Identifiers: Orphanet 140162, MedGen C0027672, MeSH D009386, MONDO:0015356.
Classic or attenuated familial adenomatous polyposis. Identifiers: MedGen CN372698, MONDO:0021057.
Familial adenomatous polyposis 1 (FAP1). Also called: FAMILIAL ADENOMATOUS POLYPOSIS 1, ATTENUATED; POLYPOSIS, ADENOMATOUS INTESTINAL. Identifiers: MedGen C2713442, MONDO:0021056, OMIM 175100. Disease mechanism: loss of function.

Allele frequency attached by ClinVar (database versions not stated): gnomAD exomes below 0.00001.
gnomAD v4.1: 1 of 1,614,004 alleles (0.000062%); highest among the groups gnomAD compares: Non-Finnish European, 0.000085%; no homozygotes.

Submissions (3):

Ambry Genetics
Classification: Uncertain significance for Hereditary cancer-predisposing syndrome. Last evaluated: 2025-10-14. Review status: criteria provided, single submitter. Criteria: Ambry Variant Classification Scheme 2023. Collection method: clinical testing. Allele origin: germline.
Comment: The p.D2696E variant (also known as c.8088T>A), located in coding exon 15 of the APC gene, results from a T to A substitution at nucleotide position 8088. The aspartic acid at codon 2696 is replaced by glutamic acid, an amino acid with highly similar properties. This amino acid position is conserved. In addition, in silico predictors for this gene do not accurately predict pathogenicity. Based on the available evidence, the clinical significance of this variant remains unclear.

Labcorp Genetics (formerly Invitae), Labcorp
Classification: Uncertain significance for Familial adenomatous polyposis 1. Last evaluated: 2023-11-06. Review status: criteria provided, single submitter. Criteria: Invitae Variant Classification Sherloc (09022015). Collection method: clinical testing. Allele origin: germline.
Comment: This sequence change replaces aspartic acid, which is acidic and polar, with glutamic acid, which is acidic and polar, at codon 2696 of the APC protein (p.Asp2696Glu). This variant is not present in population databases (gnomAD no frequency). This variant has not been reported in the literature in individuals affected with APC-related conditions. ClinVar contains an entry for this variant (Variation ID: 1513502). Advanced modeling of protein sequence and biophysical properties (such as structural, functional, and spatial information, amino acid conservation, physicochemical variation, residue mobility, and thermodynamic stability) performed at Invitae indicates that this missense variant is not expected to disrupt APC protein function with a negative predictive value of 95%. In summary, the available evidence is currently insufficient to determine the role of this variant in disease. Therefore, it has been classified as a Variant of Uncertain Significance.

All of Us Research Program, National Institutes of Health
Classification: Uncertain significance for Classic or attenuated familial adenomatous polyposis. Last evaluated: 2023-10-23. Review status: criteria provided, single submitter. Criteria: ACMG Guidelines, 2015. Collection method: clinical testing. Allele origin: germline. Inheritance: Autosomal dominant inheritance. Observed: 2 variant alleles, 2 heterozygotes.
Comment: This missense variant replaces aspartic acid with glutamic acid at codon 2696 of the APC protein. Computational prediction suggests that this variant may not impact protein structure and function (internally defined REVEL score threshold <= 0.5, PMID: 27666373). To our knowledge, functional studies have not been reported for this variant. This variant has not been reported in individuals affected with APC-related disorders in the literature. This variant has not been identified in the general population by the Genome Aggregation Database (gnomAD). The available evidence is insufficient to determine the role of this variant in disease conclusively. Therefore, this variant is classified as a Variant of Uncertain Significance.

This study involves interpretation of variants in research participants for the purpose of population health screening. Participant phenotype was not available at the time of variant classification. Additional details can be found in publication PMID: 35346344, PMCID: PMC8962531